The following is an entry in ClinVar:

ClinVar aggregate classification (germline): Uncertain significance (1 of 4 stars; one submission).

Conditions:
Progressive sclerosing poliodystrophy (MTDPS4A). Also called: ALPERS PROGRESSIVE INFANTILE POLIODYSTROPHY; NEURONAL DEGENERATION OF CHILDHOOD WITH LIVER DISEASE, PROGRESSIVE; Alpers Syndrome; ALPERS DIFFUSE DEGENERATION OF CEREBRAL GRAY MATTER WITH HEPATIC CIRRHOSIS; Alpers-Huttenlocher Syndrome; Mitochondrial DNA depletion syndrome 4A (Alpers type). Identifiers: Orphanet 726, MedGen C0205710, MONDO:0008758, OMIM 203700.

Submission:

Labcorp Genetics (formerly Invitae), Labcorp
Classification: Uncertain significance for Progressive sclerosing poliodystrophy. Last evaluated: 2024-08-13. Review status: criteria provided, single submitter. Criteria: Invitae Variant Classification Sherloc (09022015). Collection method: clinical testing. Allele origin: germline.
Comment: This sequence change replaces glycine, which is neutral and non-polar, with cysteine, which is neutral and slightly polar, at codon 179 of the POLG protein (p.Gly179Cys). This variant is not present in population databases (gnomAD no frequency). This variant has not been reported in the literature in individuals affected with POLG-related conditions. Invitae Evidence Modeling of protein sequence and biophysical properties (such as structural, functional, and spatial information, amino acid conservation, physicochemical variation, residue mobility, and thermodynamic stability) indicates that this missense variant is expected to disrupt POLG protein function with a positive predictive value of 95%. In summary, the available evidence is currently insufficient to determine the role of this variant in disease. Therefore, it has been classified as a Variant of Uncertain Significance.

NM_002693.3(POLG):c.535G>T (p.Gly179Cys)

Genes: POLG (DNA polymerase gamma, catalytic subunit; minus strand), POLGARF (POLG alternative reading frame; minus strand). Cytogenetic location: 15q26.1.
Variant type: single nucleotide variant.
Coding change: c.535G>T on transcript NM_002693.3 (MANE Select); coding-DNA position 535, G replaced by T.
Protein change: p.Gly179Cys; replaces glycine 179 with cysteine.
Molecular consequence: missense variant.
Genome position (GRCh38, 1-based): chr15:89,333,220, C>A on the plus strand (G>T on the coding strand, the complement: POLG is on the minus strand). VCF-style: chr15-89333220-C-A. GRCh37 (hg19) VCF-style: chr15-89876451-C-A.
Other names: c.590G>T, p.Arg197Leu (NM_001430120.1); c.535G>T, p.Gly179Cys (NM_001126131.2); short protein forms G179C, R197L.
Identifiers: ClinVar variation 3636652 (VCV003636652.2).